The following is an entry in ClinVar:

ClinVar aggregate classification (germline): Benign (0 of 4 stars; one submission).

Conditions:
CLASP2-related disorder. Also called: CLASP2-related condition.

Allele frequency attached by ClinVar (database versions not stated): 1000 Genomes Project 30x 0.00999; 1000 Genomes Project 0.01038; ESP Exome Variant Server 0.01555; gnomAD 0.01846; TOPMed 0.01899; gnomAD exomes 0.02135; ExAC 0.03000.
gnomAD v4.1: 33,708 of 1,602,464 alleles (2.1%); highest among the groups gnomAD compares: Admixed American, 4.5%; 459 homozygotes.

Submission:

PreventionGenetics, part of Exact Sciences
Classification: Benign for CLASP2-related condition. Last evaluated: 2019-03-22. Review status: no assertion criteria provided. Collection method: clinical testing. Allele origin: germline.
Comment: This variant is classified as benign based on ACMG/AMP sequence variant interpretation guidelines (Richards et al. 2015 PMID: 25741868, with internal and published modifications).

NM_001365631.1(CLASP2):c.510A>G (p.Pro170=)

Gene: CLASP2 (cytoplasmic linker associated protein 2; minus strand). Cytogenetic location: 3p22.3.
Variant type: single nucleotide variant.
Coding change: c.510A>G on transcript NM_001365631.1 (MANE Select); coding-DNA position 510, A replaced by G.
Protein change: p.Pro170=; no amino-acid change (proline 170 retained).
Molecular consequence: synonymous variant.
Genome position (GRCh38, 1-based): chr3:33,687,096, T>C on the plus strand (A>G on the coding strand, the complement: CLASP2 is on the minus strand). VCF-style: chr3-33687096-T-C. GRCh37 (hg19) VCF-style: chr3-33728588-T-C.
Other names: c.510A>G, p.Pro170= (NM_001365627.1, NM_001365628.1, NM_001365629.1 and 13 more transcripts); c.213A>G, p.Pro71= (NM_001375713.1).
Identifiers: ClinVar variation 3037912 (VCV003037912.2), dbSNP rs143967899, ClinGen allele CA2303225.